The following is an entry in ClinVar:

NM_000321.3(RB1):c.2663+4G>A

Gene: RB1 (RB transcriptional corepressor 1; plus strand). Cytogenetic location: 13q14.2.
Variant type: single nucleotide variant.
Coding change: c.2663+4G>A on transcript NM_000321.3 (MANE Select); 4 bases into the intron after coding-DNA position 2663, G replaced by A.
Molecular consequence: intron variant.
Genome position (GRCh38, 1-based): chr13:48,476,847, G>A. VCF-style: chr13-48476847-G-A. GRCh37 (hg19) VCF-style: chr13-49050983-G-A.
Identifiers: ClinVar variation 950449 (VCV000950449.7), dbSNP rs1949507415, ClinGen allele CA1139663292.

ClinVar aggregate classification (germline): Uncertain significance (1 of 4 stars; one submission).

Conditions:
Retinoblastoma (RB1). Also called: RETINOBLASTOMA, SOMATIC. Identifiers: Orphanet 790, MedGen C0035335, MeSH D012175, MONDO:0008380, OMIM 180200, HP:0009919. Disease mechanism: loss of function. Inheritance: Both sporadic and heritable forms are tested..

Submission:

Labcorp Genetics (formerly Invitae), Labcorp
Classification: Uncertain significance for Retinoblastoma. Last evaluated: 2022-11-01. Review status: criteria provided, single submitter. Criteria: Invitae Variant Classification Sherloc (09022015). Collection method: clinical testing. Allele origin: germline.
Comment: In summary, the available evidence is currently insufficient to determine the role of this variant in disease. Therefore, it has been classified as a Variant of Uncertain Significance. Variants that disrupt the consensus splice site are a relatively common cause of aberrant splicing (PMID: 17576681, 9536098). Algorithms developed to predict the effect of sequence changes on RNA splicing suggest that this variant is not likely to affect RNA splicing. ClinVar contains an entry for this variant (Variation ID: 950449). This variant has not been reported in the literature in individuals affected with RB1-related conditions. This variant is not present in population databases (gnomAD no frequency). This sequence change falls in intron 25 of the RB1 gene. It does not directly change the encoded amino acid sequence of the RB1 protein. It affects a nucleotide within the consensus splice site.

Literature cited by the submitters: PubMed 17576681; PubMed 9536098.